The following is an entry in ClinVar:

NM_001281740.3(FHOD3):c.1180C>G (p.Arg394Gly)

Gene: FHOD3 (formin homology 2 domain containing 3; plus strand). Cytogenetic location: 18q12.2.
Variant type: single nucleotide variant.
Coding change: c.1180C>G on transcript NM_001281740.3 (MANE Select); coding-DNA position 1180, C replaced by G.
Protein change: p.Arg394Gly; replaces arginine 394 with glycine.
Molecular consequence: missense variant.
Genome position (GRCh38, 1-based): chr18:36,625,733, C>G. VCF-style: chr18-36625733-C-G. GRCh37 (hg19) VCF-style: chr18-34205696-C-G.
Other names: c.1180C>G, p.Arg394Gly (NM_001281739.3, NM_025135.5); short protein forms R394G.
Identifiers: ClinVar variation 4883521 (VCV004883521.2).
Genomic context (GRCh38, chr18:36,625,733, plus strand): 5'-CTGTCGGCCCCCACCAGTCCCTGCTCCCAGTCAGCTCCCAGCTTCAAGCCCAACCAAGTG[C>G]GAGATCTGCGTGAAAAGTAAGCATTAACTTGGCAGTGGAGAGGGGTGCAAGGATGCCATC-3'
Protein context (NP_001268669.1, residues 384-404): SAPSFKPNQV[Arg394Gly]DLREKEEEEE

ClinVar aggregate classification (germline): Uncertain significance (1 of 4 stars; one submission).

gnomAD v4.1: 18 of 1,607,632 alleles (0.0011%); highest among the groups gnomAD compares: African/African-American, 0.015%; no homozygotes.

Submission:

Dasa
Classification: Uncertain significance. Last evaluated: 2025-04-19. Review status: criteria provided, single submitter. Criteria: DASA Assertion Criteria. Collection method: clinical testing. Allele origin: germline.
Comment: NM_001281740.3(FHOD3):c.1180C>G (p.Arg394Gly) is a missense variant that results in the substitution of arginine with glycine. This variant is rare in population databases. Computational prediction algorithms are consistent with a benign effect. The currently available literature and clinical evidence are not sufficient to establish a definitive association between this variant and the reported condition. Therefore, this variant is classified as a variant of uncertain significance.